The following is an entry in ClinVar:

NM_018076.5(ODAD2):c.1318C>A (p.Arg440Ser)

Gene: ODAD2 (outer dynein arm docking complex subunit 2; minus strand). Cytogenetic location: 10p12.1.
Variant type: single nucleotide variant.
Coding change: c.1318C>A on transcript NM_018076.5 (MANE Select); coding-DNA position 1318, C replaced by A.
Protein change: p.Arg440Ser; replaces arginine 440 with serine.
Molecular consequence: missense variant. On other transcripts: 5 prime UTR variant (1).
Genome position (GRCh38, 1-based): chr10:27,961,636, G>T on the plus strand (C>A on the coding strand, the complement: ODAD2 is on the minus strand). VCF-style: chr10-27961636-G-T. GRCh37 (hg19) VCF-style: chr10-28250565-G-T.
Other names: c.1318C>A, p.Arg440Ser (NM_001290020.2); c.-108C>A (NM_001290021.2); c.394C>A, p.Arg132Ser (NM_001312689.2); short protein forms R132S, R440S.
Identifiers: ClinVar variation 1799981 (VCV001799981.2), dbSNP rs376424270, ClinGen allele CA5453583.

ClinVar aggregate classification (germline): Uncertain significance (1 of 4 stars; one submission).

Conditions:
Primary ciliary dyskinesia. Also called: Ciliary dyskinesia. Identifiers: Orphanet 244, MedGen C0008780, MONDO:0016575, HP:0012265.

gnomAD v4.1: 34 of 1,605,040 alleles (0.0021%); highest among the groups gnomAD compares: Non-Finnish European, 0.0028%; no homozygotes.

Submission:

Ambry Genetics
Classification: Uncertain significance for Primary ciliary dyskinesia. Last evaluated: 2022-09-12. Review status: criteria provided, single submitter. Criteria: Ambry Variant Classification Scheme 2023. Collection method: clinical testing. Allele origin: germline.
Comment: The p.R440S variant (also known as c.1318C>A), located in coding exon 9 of the ARMC4 gene, results from a C to A substitution at nucleotide position 1318. The arginine at codon 440 is replaced by serine, an amino acid with dissimilar properties. This amino acid position is conserved. In addition, this alteration is predicted to be tolerated by in silico analysis. Since supporting evidence is limited at this time, the clinical significance of this alteration remains unclear.